The following is an entry in ClinVar:

NM_182961.4(SYNE1):c.4789-5_4789-3del

Gene: SYNE1 (spectrin repeat containing nuclear envelope protein 1; minus strand). Cytogenetic location: 6q25.2.
Variant type: Microsatellite.
Coding change: c.4789-5_4789-3del on transcript NM_182961.4 (MANE Select); 5 bases into the intron before coding-DNA position 4789 through 3 bases into the intron before coding-DNA position 4789, 3 bases deleted (CTT; older notation c.4789-5_4789-3delCTT).
Molecular consequence: intron variant.
Genome position (GRCh38, 1-based): chr6:152,428,395-152,428,397, AAG deleted on the plus strand (CTT on the coding strand, the reverse complement: SYNE1 is on the minus strand); deleting any 3 consecutive bases within chr6:152,428,395-152,428,401 gives the same sequence; the c. name uses the placement nearest the transcript's 3' end. VCF-style (leftmost placement, unchanged base first): chr6-152428394-TAAG-T. GRCh37 (hg19) VCF-style: chr6-152749529-TAAG-T.
Other names: c.4810-5_4810-3delCTT (NM_033071.3); c.4810-5_4810-3del (NM_033071.5); c.4789-5_4789-3del (NM_182961.2).
Identifiers: ClinVar variation 796370 (VCV000796370.12), dbSNP rs1592495200, ClinGen allele CA915944513.
Genomic context (GRCh38, chr6:152,428,394, plus strand): 5'-GCACTGGCTGAGAAGGCAGTGATCGCGCTGCTCAGTGACTCCAGGGCCTGGCAGAGATCC[TAAG>T]AAGAGTGCGAGAAGAATGCAGTGAAAGCACAGGAGCCAACGAGGCCTGCATTTTTCTTTG-3'

ClinVar aggregate classification (germline): Conflicting classifications of pathogenicity. Review status: criteria provided, conflicting classifications (1 of 4 stars). 3 submissions from 3 submitters: Uncertain significance (1); Likely benign (1). 1 of the submissions does not count toward it. Last evaluated 2025-02-11.

Conditions:
SYNE1-related disorder. Also called: SYNE1-related disorders; SYNE1-related disease; SYNE1-related condition.
Emery-Dreifuss muscular dystrophy 4, autosomal dominant (EDMD4). Also called: EMERY-DREIFUSS MUSCULAR DYSTROPHY 4 WITH VARIABLE FEATURES. Identifiers: Orphanet 261, MedGen C2751807, MONDO:0013071, OMIM 612998.
Autosomal recessive ataxia, Beauce type. Also called: Spinocerebellar ataxia, autosomal recessive 8; ATAXIA, RECESSIVE, OF BEAUCE; SYNE1 Deficiency; SYNE1-Related Autosomal Recessive Cerebellar Ataxia. Identifiers: Orphanet 88644, MedGen C1853116, MONDO:0012549, OMIM 610743.

Submissions (3):

Athena Diagnostics
Classification: Uncertain significance. Last evaluated: 2025-02-11. Review status: criteria provided, single submitter. Criteria: Athena Diagnostics Criteria. Collection method: clinical testing. Allele origin: unknown.
Comment: Available data are insufficient to determine the clinical significance of the variant at this time. This variant has not been reported in large, multi-ethnic general populations. Computational tools yielded predictions that this variant is unlikely to have an effect on normal RNA splicing.

Labcorp Genetics (formerly Invitae), Labcorp
Classification: Likely benign for Emery-Dreifuss muscular dystrophy 4, autosomal dominant; Autosomal recessive ataxia, Beauce type. Last evaluated: 2023-10-03. Review status: criteria provided, single submitter. Criteria: Invitae Variant Classification Sherloc (09022015). Collection method: clinical testing. Allele origin: germline.

PreventionGenetics, part of Exact Sciences
Classification: Likely benign for SYNE1-related condition. Last evaluated: 2019-03-05. Review status: no assertion criteria provided. Collection method: clinical testing. Allele origin: germline. Not counted in ClinVar's aggregate classification.
Comment: This variant is classified as likely benign based on ACMG/AMP sequence variant interpretation guidelines (Richards et al. 2015 PMID: 25741868, with internal and published modifications).